The following is an entry in ClinVar:

NM_001382567.1(STIM1):c.1634+38C>T

Gene: STIM1 (stromal interaction molecule 1; plus strand). Cytogenetic location: 11p15.4.
Variant type: single nucleotide variant.
Coding change: c.1634+38C>T on transcript NM_001382567.1 (MANE Select); 38 bases into the intron after coding-DNA position 1634, C replaced by T.
Molecular consequence: intron variant. On other transcripts: missense variant (2).
Genome position (GRCh38, 1-based): chr11:4,086,581, C>T. VCF-style: chr11-4086581-C-T. GRCh37 (hg19) VCF-style: chr11-4107811-C-T.
Other names: c.1579C>T, p.Arg527Trp (NM_001277961.3); c.1357C>T, p.Arg453Trp (NM_001382566.1); c.1319+38C>T (NM_001382578.1, NM_001382575.1, NM_001382576.1 and 2 more transcripts); c.1052+38C>T (NM_001382580.1, NM_001382581.1); c.1562+38C>T (NM_001382568.1); c.1541+38C>T (NM_001277962.2, NM_003156.4); c.1313+38C>T (NM_001382570.1); c.1406+38C>T (NM_001382569.1); and 1 more; short protein forms R527W, R453W.
Identifiers: ClinVar variation 4980592 (VCV004980592.1).

ClinVar aggregate classification (germline): Uncertain significance (1 of 4 stars; one submission).

Conditions:
STIM1-related disorder. Also called: STIM1-related condition.

gnomAD v4.1: 91 of 1,613,342 alleles (0.0056%); highest among the groups gnomAD compares: African/African-American, 0.011%; 1 homozygote.

Submission:

PreventionGenetics, part of Exact Sciences
Classification: Uncertain significance for STIM1-related condition. Last evaluated: 2026-04-27. Review status: criteria provided, single submitter. Criteria: ACMG Guidelines, 2015. Collection method: clinical testing. Allele origin: germline.
Comment: The STIM1 c.1579C>T variant is predicted to result in the amino acid substitution p.Arg527Trp. To our knowledge, this variant has not been reported in the literature. This variant is reported in 0.0062% of alleles in individuals of European (Non-Finnish) descent in gnomAD. At this time, the clinical significance of this variant is uncertain due to the absence of conclusive functional and genetic evidence.